The following is an entry in ClinVar:

NM_001371928.1(AHDC1):c.2479G>A (p.Glu827Lys)

Gene: AHDC1 (AT-hook DNA binding motif containing 1; minus strand). Cytogenetic location: 1p36.11.
Variant type: single nucleotide variant.
Coding change: c.2479G>A on transcript NM_001371928.1 (MANE Select); coding-DNA position 2479, G replaced by A.
Protein change: p.Glu827Lys; replaces glutamic acid 827 with lysine.
Molecular consequence: missense variant.
Genome position (GRCh38, 1-based): chr1:27,549,637, C>T on the plus strand (G>A on the coding strand, the complement: AHDC1 is on the minus strand). VCF-style: chr1-27549637-C-T. GRCh37 (hg19) VCF-style: chr1-27876148-C-T.
Other names: c.2479G>A, p.Glu827Lys (NM_001029882.3); short protein forms E827K.
Identifiers: ClinVar variation 2191899 (VCV002191899.5), dbSNP rs761212409, ClinGen allele CA715754.

ClinVar aggregate classification (germline): Uncertain significance. Review status: criteria provided, multiple submitters, no conflicts (2 of 4 stars). 2 submissions from 2 submitters: Uncertain significance (2). Last evaluated 2025-08-18.

Allele frequency attached by ClinVar (database versions not stated): gnomAD exomes below 0.00001; TOPMed below 0.00001; ExAC 0.00001; gnomAD 0.00001.

Submissions (2):

Labcorp Genetics (formerly Invitae), Labcorp
Classification: Uncertain significance. Last evaluated: 2025-08-18. Review status: criteria provided, single submitter. Criteria: Invitae Variant Classification Sherloc (09022015). Collection method: clinical testing. Allele origin: germline.
Comment: This sequence change replaces glutamic acid, which is acidic and polar, with lysine, which is basic and polar, at codon 827 of the AHDC1 protein (p.Glu827Lys). This variant is present in population databases (rs761212409, gnomAD 0.007%). This variant has not been reported in the literature in individuals affected with AHDC1-related conditions. ClinVar contains an entry for this variant (Variation ID: 2191899). An algorithm developed to predict the effect of missense changes on protein structure and function (PolyPhen-2) suggests that this variant is likely to be tolerated. In summary, the available evidence is currently insufficient to determine the role of this variant in disease. Therefore, it has been classified as a Variant of Uncertain Significance.

Women's Health and Genetics/Laboratory Corporation of America, LabCorp
Classification: Uncertain significance. Last evaluated: 2023-09-01. Review status: criteria provided, single submitter. Criteria: LabCorp Variant Classification Summary - May 2015. Collection method: clinical testing. Allele origin: germline.
Comment: Variant summary: AHDC1 c.2479G>A (p.Glu827Lys) results in a conservative amino acid change in the encoded protein sequence. Four of five in-silico tools predict a benign effect of the variant on protein function. The variant allele was found at a frequency of 4e-06 in 248470 control chromosomes (gnomAD). The available data on variant occurrences in the general population are insufficient to allow any conclusion about variant significance. To our knowledge, no occurrence of c.2479G>A in individuals affected with Xia-Gibbs Syndrome and no experimental evidence demonstrating its impact on protein function have been reported. One ClinVar submitter has assessed the variant since 2014, and classified the variant as uncertain significance. Based on the evidence outlined above, the variant was classified as uncertain significance.